The following is an entry in ClinVar:

ClinVar aggregate classification (germline): Likely pathogenic (1 of 4 stars; one submission).

Conditions:
Fanconi anemia complementation group J. Also called: BRIP1-Related Fanconi Anemia. Identifiers: Orphanet 84, MedGen C1836860, MONDO:0012187, OMIM 609054.
Familial cancer of breast. Also called: BREAST CANCER, FAMILIAL; Hereditary breast cancer; hereditary breast carcinoma. Identifiers: Orphanet 227535, MedGen C0346153, MONDO:0016419, OMIM 114480. Disease mechanism: loss of function.

Submission:

Labcorp Genetics (formerly Invitae), Labcorp
Classification: Likely pathogenic for Familial cancer of breast; Fanconi anemia complementation group J. Last evaluated: 2024-08-13. Review status: criteria provided, single submitter. Criteria: Invitae Variant Classification Sherloc (09022015). Collection method: clinical testing. Allele origin: germline.
Comment: This sequence change affects an acceptor splice site in intron 14 of the BRIP1 gene. It is expected to disrupt RNA splicing. Variants that disrupt the donor or acceptor splice site typically lead to a loss of protein function (PMID: 16199547), and loss-of-function variants in BRIP1 are known to be pathogenic (PMID: 16116423, 17033622, 21964575). This variant is not present in population databases (gnomAD no frequency). This variant has not been reported in the literature in individuals affected with BRIP1-related conditions. Algorithms developed to predict the effect of sequence changes on RNA splicing suggest that this variant may disrupt the consensus splice site. In summary, the currently available evidence indicates that the variant is pathogenic, but additional data are needed to prove that conclusively. Therefore, this variant has been classified as Likely Pathogenic.

Literature cited by the submitters: PubMed 16199547; PubMed 16116423; PubMed 17033622; PubMed 21964575.

NM_032043.3(BRIP1):c.2098-2A>T

Gene: BRIP1 (BRCA1 interacting DNA helicase 1; minus strand). Cytogenetic location: 17q23.2.
Variant type: single nucleotide variant.
Coding change: c.2098-2A>T on transcript NM_032043.3 (MANE Select); the canonical splice acceptor site of the intron before coding-DNA position 2098, A replaced by T.
Molecular consequence: splice acceptor variant.
Genome position (GRCh38, 1-based): chr17:61,744,593, T>A on the plus strand (A>T on the coding strand, the complement: BRIP1 is on the minus strand). VCF-style: chr17-61744593-T-A. GRCh37 (hg19) VCF-style: chr17-59821954-T-A.
Identifiers: ClinVar variation 3757631 (VCV003757631.2).